The following is an entry in ClinVar:

ClinVar aggregate classification (germline): Conflicting classifications of pathogenicity. Review status: criteria provided, conflicting classifications (1 of 4 stars). 3 submissions from 3 submitters: Likely pathogenic (2); Uncertain significance (1). Last evaluated 2025-06-06.

Conditions:
Meckel syndrome, type 6. Identifiers: Orphanet 564, MedGen C2676790, MONDO:0012848, OMIM 612284.
COACH syndrome 2. Identifiers: MedGen C5436837, MONDO:0030859, OMIM 619111.
Retinitis pigmentosa 93. Identifiers: MedGen C5676970, MONDO:0030797, OMIM 619845.
Joubert syndrome 9 (JBTS9). Identifiers: Orphanet 2318, MedGen C2676788, MONDO:0012849, OMIM 612285.
Meckel-Gruber syndrome. Also called: DYSENCEPHALIA SPLANCHNOCYSTICA; GRUBER SYNDROME; Dysencephalia splachnocystica. Identifiers: Orphanet 564, MedGen C0265215, MONDO:0018921.

Allele frequency attached by ClinVar (database versions not stated): gnomAD exomes 0.00001; TOPMed 0.00003; ESP Exome Variant Server 0.00018; ExAC below 0.00001; gnomAD 0.00001.
gnomAD v4.1: 15 of 1,550,016 alleles (0.00097%); highest among the groups gnomAD compares: Admixed American, 0.002%; no homozygotes.

Submissions (3):

GeneDx
Classification: Likely pathogenic. Last evaluated: 2025-06-06. Review status: criteria provided, single submitter. Criteria: GeneDx Variant Classification Process June 2021. Collection method: clinical testing. Allele origin: germline.
Comment: Reported with a second CC2D2A variant in a fetus with a craniofacial defect, semi-lobar holoprosencephaly, encephalocele, retrognathia, renal cysts, and hand/foot deformity in published literature; however, no postnatal follow-up information was available (PMID: 33249554); Reported as a likely pathogenic variant in an individual with Joubert syndrome in published literature; however, no further information was provided (PMID: 31964843); Not observed at significant frequency in large population cohorts (gnomAD); In silico analysis supports that this missense variant has a deleterious effect on protein structure/function; This variant is associated with the following publications: (PMID: 31964843, 33249554)

Fulgent Genetics
Classification: Uncertain significance for Meckel syndrome, type 6; Joubert syndrome 9; COACH syndrome 2; Retinitis pigmentosa 93. Last evaluated: 2024-05-18. Review status: criteria provided, single submitter. Criteria: ACMG Guidelines, 2015. Collection method: clinical testing. Allele origin: germline.

Genetic Services Laboratory, University of Chicago
Classification: Likely pathogenic for Meckel Gruber syndrome. Last evaluated: 2013-10-29. Review status: criteria provided, single submitter. Criteria: ACMG Guidelines, 2007. Collection method: clinical testing. Allele origin: germline. Inheritance: Autosomal recessive inheritance. Affected: yes. Observed: 1 variant allele.

NM_001378615.1(CC2D2A):c.4384T>C (p.Trp1462Arg)

Genes: CC2D2A (coiled-coil and C2 domain containing 2A; plus strand), FBXL5 (F-box and leucine rich repeat protein 5; minus strand). Cytogenetic location: 4p15.32.
Variant type: single nucleotide variant.
Coding change: c.4384T>C on transcript NM_001378615.1 (MANE Select); coding-DNA position 4384, T replaced by C.
Protein change: p.Trp1462Arg; replaces tryptophan 1462 with arginine.
Molecular consequence: missense variant.
Genome position (GRCh38, 1-based): chr4:15,596,154, T>C. VCF-style: chr4-15596154-T-C. GRCh37 (hg19) VCF-style: chr4-15597777-T-C.
Other names: c.4384T>C, p.Trp1462Arg (NM_001080522.2); c.4237T>C, p.Trp1413Arg (NM_001378617.1); short protein forms W1462R, W1413R.
Identifiers: ClinVar variation 126244 (VCV000126244.10), dbSNP rs368720062, ClinGen allele CA150879.